The following is an entry in ClinVar:

ClinVar aggregate classification (germline): Conflicting classifications of pathogenicity. Review status: criteria provided, conflicting classifications (1 of 4 stars). 2 submissions from 2 submitters: Uncertain significance (1); Likely benign (1). Last evaluated 2025-05-13.

Conditions:
Cardiovascular phenotype. Identifiers: MedGen CN230736.
Naxos disease (NXD). Also called: WOOLLY HAIR, PALMOPLANTAR KERATODERMA, AND CARDIAC ABNORMALITIES; KERATOSIS PALMOPLANTARIS WITH ARRHYTHMOGENIC CARDIOMYOPATHY; MAL DE NAXOS; PALMOPLANTAR KERATODERMA WITH ARRHYTHMOGENIC RIGHT VENTRICULAR CARDIOMYOPATHY AND WOOLLY HAIR; CARDIOMYOPATHY, ARRHYTHMOGENIC RIGHT VENTRICULAR, WITH SKIN, HAIR, AND NAIL ABNORMALITIES. Identifiers: Orphanet 34217, MedGen C1832600, MONDO:0011017, OMIM 601214.
Arrhythmogenic right ventricular dysplasia 12. Also called: ARRHYTHMOGENIC RIGHT VENTRICULAR DYSPLASIA, FAMILIAL, 12. Identifiers: MedGen C1969081, MONDO:0012684, OMIM 611528.

Allele frequency attached by ClinVar (database versions not stated): ExAC 0.00001; gnomAD 0.00001; gnomAD exomes 0.00001; TOPMed 0.00003.
gnomAD v4.1: 17 of 1,614,010 alleles (0.0011%); highest among the groups gnomAD compares: Admixed American, 0.0033%; no homozygotes.

Submissions (2):

Labcorp Genetics (formerly Invitae), Labcorp
Classification: Uncertain significance for Arrhythmogenic right ventricular dysplasia 12; Naxos disease. Last evaluated: 2025-05-13. Review status: criteria provided, single submitter. Criteria: Invitae Variant Classification Sherloc (09022015). Collection method: clinical testing. Allele origin: germline.
Comment: This sequence change replaces alanine, which is neutral and non-polar, with threonine, which is neutral and polar, at codon 30 of the JUP protein (p.Ala30Thr). This variant is present in population databases (rs782733459, gnomAD 0.007%). This variant has not been reported in the literature in individuals affected with JUP-related conditions. ClinVar contains an entry for this variant (Variation ID: 842427). An algorithm developed to predict the effect of missense changes on protein structure and function (PolyPhen-2) suggests that this variant is likely to be tolerated. In summary, the available evidence is currently insufficient to determine the role of this variant in disease. Therefore, it has been classified as a Variant of Uncertain Significance.

Ambry Genetics
Classification: Likely benign for Cardiovascular phenotype. Last evaluated: 2023-12-26. Review status: criteria provided, single submitter. Criteria: Ambry Variant Classification Scheme 2023. Collection method: clinical testing. Allele origin: germline.

NM_002230.4(JUP):c.88G>A (p.Ala30Thr)

Gene: JUP (junction plakoglobin; minus strand). Cytogenetic location: 17q21.2.
Variant type: single nucleotide variant.
Coding change: c.88G>A on transcript NM_002230.4 (MANE Select); coding-DNA position 88, G replaced by A.
Protein change: p.Ala30Thr; replaces alanine 30 with threonine.
Molecular consequence: missense variant.
Genome position (GRCh38, 1-based): chr17:41,771,767, C>T on the plus strand (G>A on the coding strand, the complement: JUP is on the minus strand). VCF-style: chr17-41771767-C-T. GRCh37 (hg19) VCF-style: chr17-39928019-C-T.
Other names: c.88G>A, p.Ala30Thr (NM_001352773.2, NM_001352774.2, NM_001352775.2 and 3 more transcripts); short protein forms A30T.
Identifiers: ClinVar variation 842427 (VCV000842427.9), dbSNP rs782733459, ClinGen allele CA8565586.